The following is an entry in ClinVar:

ClinVar aggregate classification (germline): Uncertain significance (1 of 4 stars; one submission).

Conditions:
Familial thoracic aortic aneurysm and aortic dissection (TAAD). Also called: Thoracic aortic aneurysms and dissections. Identifiers: Orphanet 91387, MedGen C4707243, MONDO:0019625.

Allele frequency attached by ClinVar (database versions not stated): TOPMed below 0.00001; ExAC 0.00001; gnomAD 0.00001; gnomAD exomes 0.00003.
gnomAD v4.1: 18 of 1,610,818 alleles (0.0011%); highest among the groups gnomAD compares: Non-Finnish European, 0.00017%; no homozygotes.

Submission:

Ambry Genetics
Classification: Uncertain significance for Familial thoracic aortic aneurysm and aortic dissection. Last evaluated: 2023-12-10. Review status: criteria provided, single submitter. Criteria: Ambry Variant Classification Scheme 2023. Collection method: clinical testing. Allele origin: germline.
Comment: The p.A141V variant (also known as c.422C>T), located in coding exon 1 of the SKI gene, results from a C to T substitution at nucleotide position 422. The alanine at codon 141 is replaced by valine, an amino acid with similar properties. This amino acid position is conserved. In addition, this alteration is predicted to be tolerated by in silico analysis. Since supporting evidence is limited at this time, the clinical significance of this alteration remains unclear.

NM_003036.4(SKI):c.422C>T (p.Ala141Val)

Gene: SKI (SKI proto-oncogene; plus strand). Cytogenetic location: 1p36.33.
Variant type: single nucleotide variant.
Coding change: c.422C>T on transcript NM_003036.4 (MANE Select); coding-DNA position 422, C replaced by T.
Protein change: p.Ala141Val; replaces alanine 141 with valine.
Molecular consequence: missense variant.
Genome position (GRCh38, 1-based): chr1:2,229,188, C>T. VCF-style: chr1-2229188-C-T. GRCh37 (hg19) VCF-style: chr1-2160627-C-T.
Other names: short protein forms A141V.
Identifiers: ClinVar variation 3223071 (VCV003223071.1), dbSNP rs762205602, ClinGen allele CA536388.